The following is an entry in ClinVar:

ClinVar aggregate classification (germline): Likely benign (0 of 4 stars; one submission).

Conditions:
PTH2R-related disorder. Also called: PTH2R-related condition.

Allele frequency attached by ClinVar (database versions not stated): 1000 Genomes Project 0.00479; 1000 Genomes Project 30x 0.00562.
gnomAD v4.1: 28,651 of 1,613,320 alleles (1.8%); highest among the groups gnomAD compares: Non-Finnish European, 2.2%; 316 homozygotes.

Submission:

PreventionGenetics, part of Exact Sciences
Classification: Likely benign for PTH2R-related condition. Last evaluated: 2021-02-09. Review status: no assertion criteria provided. Collection method: clinical testing. Allele origin: germline.
Comment: This variant is classified as likely benign based on ACMG/AMP sequence variant interpretation guidelines (Richards et al. 2015 PMID: 25741868, with internal and published modifications).

NM_005048.4(PTH2R):c.245C>A (p.Ser82Ter)

Gene: PTH2R (parathyroid hormone 2 receptor; plus strand). Cytogenetic location: 2q34.
Variant type: single nucleotide variant.
Coding change: c.245C>A on transcript NM_005048.4 (MANE Select); coding-DNA position 245, C replaced by A.
Protein change: p.Ser82Ter; replaces serine 82 with a stop codon.
Molecular consequence: nonsense. On other transcripts: 5 prime UTR variant (4), non-coding transcript variant (4).
Genome position (GRCh38, 1-based): chr2:208,437,603, C>A. VCF-style: chr2-208437603-C-A. GRCh37 (hg19) VCF-style: chr2-209302328-C-A.
Other names: c.-89C>A (NM_001309516.2, NM_001371905.1, NM_001371906.1 and 1 more transcripts); short protein forms S82*.
Identifiers: ClinVar variation 3056501 (VCV003056501.2), dbSNP rs61742329, ClinGen allele CA2080948.